The following is an entry in ClinVar:

NM_005026.5(PIK3CD):c.383T>C (p.Phe128Ser)

Gene: PIK3CD (phosphatidylinositol-4,5-bisphosphate 3-kinase catalytic subunit delta; plus strand). Cytogenetic location: 1p36.22.
Variant type: single nucleotide variant.
Coding change: c.383T>C on transcript NM_005026.5 (MANE Select); coding-DNA position 383, T replaced by C.
Protein change: p.Phe128Ser; replaces phenylalanine 128 with serine.
Molecular consequence: missense variant.
Genome position (GRCh38, 1-based): chr1:9,715,861, T>C. VCF-style: chr1-9715861-T-C. GRCh37 (hg19) VCF-style: chr1-9775919-T-C.
Other names: c.383T>C, p.Phe128Ser (NM_001350234.2, NM_001350235.1); short protein forms F128S.
Identifiers: ClinVar variation 3647590 (VCV003647590.2).
Genomic context (GRCh38, chr1:9,715,861, plus strand): 5'-CTGGCCCTGCCTGCCCCACCCGCTGACCCAGCCCTCCCCACCCCGCAGGCCTCCACGAGT[T>C]TGACTCCTTGTGCGACCCAGAAGTGAACGACTTTCGCGCCAAGATGTGCCAATTCTGCGA-3'
Protein context (NP_005017.3, residues 118-138): SLLIGKGLHE[Phe128Ser]DSLCDPEVND

ClinVar aggregate classification (germline): Uncertain significance (1 of 4 stars; one submission).

Conditions:
Immunodeficiency 14 (IMD14A). Also called: IMMUNODEFICIENCY 14A WITH LYMPHOPROLIFERATION, AUTOSOMAL DOMINANT; p110-DELTA-ACTIVATING MUTATION CAUSING SENESCENT T CELLS, LYMPHADENOPATHY, AND IMMUNODEFICIENCY; ACTIVATED PI3K-DELTA SYNDROME 1; Activated PI3K Delta Syndrome Type 1 (APDS1). Identifiers: Orphanet 397596, Orphanet 693661, MedGen C5907821, MONDO:0014222, OMIM 615513.

Submission:

Labcorp Genetics (formerly Invitae), Labcorp
Classification: Uncertain significance for Activated PI3K-delta syndrome. Last evaluated: 2024-03-25. Review status: criteria provided, single submitter. Criteria: Invitae Variant Classification Sherloc (09022015). Collection method: clinical testing. Allele origin: germline.
Comment: This sequence change replaces phenylalanine, which is neutral and non-polar, with serine, which is neutral and polar, at codon 128 of the PIK3CD protein (p.Phe128Ser). This variant is not present in population databases (gnomAD no frequency). This variant has not been reported in the literature in individuals affected with PIK3CD-related conditions. Advanced modeling of protein sequence and biophysical properties (such as structural, functional, and spatial information, amino acid conservation, physicochemical variation, residue mobility, and thermodynamic stability) performed at Invitae indicates that this missense variant is expected to disrupt PIK3CD protein function with a positive predictive value of 80%. In summary, the available evidence is currently insufficient to determine the role of this variant in disease. Therefore, it has been classified as a Variant of Uncertain Significance.